The following is an entry in ClinVar:

NM_000051.4(ATM):c.1595delinsTA (p.Cys532fs)

Gene: ATM (ATM serine/threonine kinase; plus strand). Cytogenetic location: 11q22.3.
Variant type: Indel.
Coding change: c.1595delinsTA on transcript NM_000051.4 (MANE Select); coding-DNA position 1595, G replaced by TA.
Protein change: p.Cys532fs; shifts the reading frame from cysteine 532.
Molecular consequence: frameshift variant.
Genome position (GRCh38, 1-based): chr11:108,251,060, G replaced by TA. VCF-style: chr11-108251060-G-TA. GRCh37 (hg19) VCF-style: chr11-108121787-G-TA.
Other names: c.1595delinsTA, p.Cys532fs (NM_001351834.2); short protein forms C532fs.
Identifiers: ClinVar variation 1775998 (VCV001775998.6), dbSNP rs2497253891, ClinGen allele CA2580083782.

ClinVar aggregate classification (germline): Pathogenic. Review status: criteria provided, multiple submitters, no conflicts (2 of 4 stars). 2 submissions from 2 submitters: Pathogenic (2). Last evaluated 2026-02-01.

Conditions:
Hereditary cancer-predisposing syndrome. Also called: Hereditary neoplastic syndrome; Neoplastic Syndromes, Hereditary; Tumor predisposition; Hereditary Cancer Syndrome. Identifiers: Orphanet 140162, MedGen C0027672, MeSH D009386, MONDO:0015356.

Submissions (2):

CeGaT Center for Human Genetics Tuebingen
Classification: Pathogenic. Last evaluated: 2026-02-01. Review status: criteria provided, single submitter. Criteria: CeGaT Center For Human Genetics Tuebingen Variant Classification Criteria Version 2. Collection method: clinical testing. Allele origin: germline. Affected: yes. Observed: 1 variant allele.
Comment: ATM: PVS1, PM2

Ambry Genetics
Classification: Pathogenic for Hereditary cancer-predisposing syndrome. Last evaluated: 2016-10-17. Review status: criteria provided, single submitter. Criteria: Ambry Variant Classification Scheme 2023. Collection method: clinical testing. Allele origin: germline.
Comment: The c.1595delGinsTA pathogenic mutation, located in coding exon 9 of the ATM gene, results from the deletion of one nucleotide and insertion of two nucleotides causing a translational frameshift with a predicted alternate stop codon. This alteration is expected to result in loss of function by premature protein truncation or nonsense-mediated mRNA decay. As such, this alteration is interpreted as a disease-causing mutation.